The following is an entry in ClinVar:

ClinVar aggregate classification (germline): Uncertain significance (1 of 4 stars; one submission).

Conditions:
Kabuki syndrome. Also called: NIIKAWA-KUROKI SYNDROME; Kabuki make-up syndrome. Identifiers: Orphanet 2322, MedGen C0796004, MONDO:0016512.

Submission:

Labcorp Genetics (formerly Invitae), Labcorp
Classification: Uncertain significance for Kabuki syndrome. Last evaluated: 2025-08-22. Review status: criteria provided, single submitter. Criteria: Invitae Variant Classification Sherloc (09022015). Collection method: clinical testing. Allele origin: germline.
Comment: This sequence change replaces serine, which is neutral and polar, with arginine, which is basic and polar, at codon 2733 of the KMT2D protein (p.Ser2733Arg). This variant is not present in population databases (gnomAD no frequency). This variant has not been reported in the literature in individuals affected with KMT2D-related conditions. Invitae Evidence Modeling of protein sequence and biophysical properties (such as structural, functional, and spatial information, amino acid conservation, physicochemical variation, residue mobility, and thermodynamic stability) indicates that this missense variant is not expected to disrupt KMT2D protein function with a negative predictive value of 95%. In summary, the available evidence is currently insufficient to determine the role of this variant in disease. Therefore, it has been classified as a Variant of Uncertain Significance.

NM_003482.4(KMT2D):c.8197A>C (p.Ser2733Arg)

Gene: KMT2D (lysine methyltransferase 2D; minus strand). Cytogenetic location: 12q13.12.
Variant type: single nucleotide variant.
Coding change: c.8197A>C on transcript NM_003482.4 (MANE Select); coding-DNA position 8197, A replaced by C.
Protein change: p.Ser2733Arg; replaces serine 2733 with arginine.
Molecular consequence: missense variant.
Genome position (GRCh38, 1-based): chr12:49,039,467, T>G on the plus strand (A>C on the coding strand, the complement: KMT2D is on the minus strand). VCF-style: chr12-49039467-T-G. GRCh37 (hg19) VCF-style: chr12-49433250-T-G.
Other names: short protein forms S2733R.
Identifiers: ClinVar variation 4772102 (VCV004772102.1).